The following is an entry in ClinVar:

ClinVar aggregate classification (germline): Pathogenic (1 of 4 stars; one submission).

Conditions:
Coffin-Siris syndrome 1 (CSS1). Also called: Mental retardation, autosomal dominant 12; ARID1B-Related Coffin-Siris Syndrome. Identifiers: Orphanet 1465, MedGen C3281201, MONDO:0007617, OMIM 135900. Disease mechanism: gain of function.

Submission:

Illumina Laboratory Services, Illumina
Classification: Pathogenic for Coffin-Siris syndrome 1. Last evaluated: 2019-07-24. Review status: criteria provided, single submitter. Criteria: ICSLVariantClassificationCriteria RUGD 01 April 2020. Collection method: clinical testing. Allele origin: unknown.
Comment: The ARID1B c.5247delA p.(Ala1750HisfsTer56) variant causes a shift in the protein reading frame that is predicted to result in premature termination of the protein. Loss of normal protein function through either protein truncation or nonsense-mediated mRNA decay is expected. To our knowledge, this variant has not been reported in the peer-reviewed literature. This variant is not observed in version 2.1.1 of the Genome Aggregation Database. Based on the available evidence, the c.5247delA p.(Ala1750HisfsTer56) variant is classified as pathogenic for Coffin-Siris syndrome.

NM_001374828.1(ARID1B):c.5496del (p.Ala1833fs)

Gene: ARID1B (AT-rich interaction domain 1B; plus strand). Cytogenetic location: 6q25.3.
Variant type: Deletion.
Coding change: c.5496del on transcript NM_001374828.1 (MANE Select); coding-DNA position 5496, one base deleted (A; older notation c.5496delA).
Protein change: p.Ala1833fs; shifts the reading frame from alanine 1833.
Molecular consequence: frameshift variant.
Genome position (GRCh38, 1-based): chr6:157,206,268, A deleted; the last of 5 consecutive A bases (chr6:157,206,264-157,206,268); deleting any one gives the same sequence. VCF-style (leftmost placement, unchanged base first): chr6-157206263-CA-C. GRCh37 (hg19) VCF-style: chr6-157527397-CA-C.
Other names: c.5337del, p.Ala1780fs (NM_017519.3); c.5127delA, p.Ala1710Hisfs (NM_020732.3); c.4914delA, p.Ala1639Hisfs (NM_175863.2); c.5247delA, p.Ala1750Hisfs (NM_001346813.1); c.2997del, p.Ala1000fs (NM_001363725.2); c.5376del, p.Ala1793fs (NM_001371656.1, NM_001374820.1); short protein forms A1000fs, A1780fs, A1793fs, A1833fs.
Identifiers: ClinVar variation 3062054 (VCV003062054.1), dbSNP rs2128391447, ClinGen allele CA2713457417.